The following is an entry in ClinVar:

ClinVar aggregate classification (germline): Likely pathogenic (1 of 4 stars; one submission).

Conditions:
Posterior polymorphous corneal dystrophy 3 (PPCD3). Identifiers: Orphanet 98973, MedGen C1836724, MONDO:0012200, OMIM 609141.

Submission:

Dasa
Classification: Likely pathogenic for Posterior polymorphous corneal dystrophy 3. Last evaluated: 2025-09-27. Review status: criteria provided, single submitter. Criteria: DASA Assertion Criteria. Collection method: clinical testing. Allele origin: germline.
Comment: NM_001174096.2(ZEB1):c.2995C>T (p.Gln999*) is a nonsense variant in ZEB1 predicted to introduce a premature termination codon and is predicted to result in an absent or altered protein product. Loss of function is an established disease mechanism for ZEB1-associated disorders. Also, this variant is absent from population databases. Based on the currently available evidence, this variant is classified as likely pathogenic.

NM_001174096.2(ZEB1):c.2995C>T (p.Gln999Ter)

Gene: ZEB1 (zinc finger E-box binding homeobox 1; plus strand). Cytogenetic location: 10p11.22.
Variant type: single nucleotide variant.
Coding change: c.2995C>T on transcript NM_001174096.2 (MANE Select); coding-DNA position 2995, C replaced by T.
Protein change: p.Gln999Ter; replaces glutamine 999 with a stop codon.
Molecular consequence: nonsense.
Genome position (GRCh38, 1-based): chr10:31,526,881, C>T. VCF-style: chr10-31526881-C-T. GRCh37 (hg19) VCF-style: chr10-31815809-C-T.
Other names: c.2338C>T, p.Gln780Ter (NM_001323654.2, NM_001323655.2, NM_001323656.2 and 27 more transcripts); c.2944C>T, p.Gln982Ter (NM_001128128.3); c.2932C>T, p.Gln978Ter (NM_001174093.2); c.2941C>T, p.Gln981Ter (NM_001174094.2); c.2791C>T, p.Gln931Ter (NM_001174095.2); c.2950C>T, p.Gln984Ter (NM_001323677.2); c.2719C>T, p.Gln907Ter (NM_001323678.2); c.2992C>T, p.Gln998Ter (NM_030751.6); and 3 more; short protein forms Q780*, Q907*, Q910*, Q924*, Q931*, Q978*, Q981*, Q982*.
Identifiers: ClinVar variation 4882936 (VCV004882936.2).